The following is an entry in ClinVar:

NM_139057.4(ADAMTS17):c.2087G>A (p.Gly696Asp)

Gene: ADAMTS17 (ADAM metallopeptidase with thrombospondin type 1 motif 17; minus strand). Cytogenetic location: 15q26.3.
Variant type: single nucleotide variant.
Coding change: c.2087G>A on transcript NM_139057.4 (MANE Select); coding-DNA position 2087, G replaced by A.
Protein change: p.Gly696Asp; replaces glycine 696 with aspartic acid.
Molecular consequence: missense variant.
Genome position (GRCh38, 1-based): chr15:100,096,406, C>T on the plus strand (G>A on the coding strand, the complement: ADAMTS17 is on the minus strand). VCF-style: chr15-100096406-C-T. GRCh37 (hg19) VCF-style: chr15-100636611-C-T.
Other names: short protein forms G696D.
Identifiers: ClinVar variation 2080836 (VCV002080836.3), dbSNP rs369034695, ClinGen allele CA7757899.

ClinVar aggregate classification (germline): Uncertain significance (1 of 4 stars; one submission).

Allele frequency attached by ClinVar (database versions not stated): gnomAD exomes below 0.00001; ExAC 0.00001; gnomAD 0.00001; TOPMed 0.00001; ESP Exome Variant Server 0.00008.
gnomAD v4.1: 3 of 1,613,996 alleles (0.00019%); highest among the groups gnomAD compares: Non-Finnish European, 0.00025%; no homozygotes.

Submission:

Labcorp Genetics (formerly Invitae), Labcorp
Classification: Uncertain significance. Last evaluated: 2022-01-02. Review status: criteria provided, single submitter. Criteria: Invitae Variant Classification Sherloc (09022015). Collection method: clinical testing. Allele origin: germline.
Comment: This sequence change replaces glycine, which is neutral and non-polar, with aspartic acid, which is acidic and polar, at codon 696 of the ADAMTS17 protein (p.Gly696Asp). This variant is present in population databases (rs369034695, gnomAD 0.002%). This variant has not been reported in the literature in individuals affected with ADAMTS17-related conditions. Algorithms developed to predict the effect of missense changes on protein structure and function are either unavailable or do not agree on the potential impact of this missense change (SIFT: "Not Available"; PolyPhen-2: "Probably Damaging"; Align-GVGD: "Not Available"). In summary, the available evidence is currently insufficient to determine the role of this variant in disease. Therefore, it has been classified as a Variant of Uncertain Significance.